The following is an entry in ClinVar:

NM_033026.6(PCLO):c.4604C>T (p.Ser1535Leu)

Gene: PCLO (piccolo presynaptic cytomatrix protein; minus strand). Cytogenetic location: 7q21.11.
Variant type: single nucleotide variant.
Coding change: c.4604C>T on transcript NM_033026.6 (MANE Select); coding-DNA position 4604, C replaced by T.
Protein change: p.Ser1535Leu; replaces serine 1535 with leucine.
Molecular consequence: missense variant.
Genome position (GRCh38, 1-based): chr7:82,956,349, G>A on the plus strand (C>T on the coding strand, the complement: PCLO is on the minus strand). VCF-style: chr7-82956349-G-A. GRCh37 (hg19) VCF-style: chr7-82585665-G-A.
Other names: c.4604C>T (NM_033026.5); c.4604C>T, p.Ser1535Leu (NM_014510.3); short protein forms S1535L.
Identifiers: ClinVar variation 1449896 (VCV001449896.11), dbSNP rs757482765, ClinGen allele CA4320796.

ClinVar aggregate classification (germline): Uncertain significance. Review status: criteria provided, multiple submitters, no conflicts (2 of 4 stars). 3 submissions from 3 submitters: Uncertain significance (3). Last evaluated 2024-11-26.

Allele frequency attached by ClinVar (database versions not stated): gnomAD exomes 0.00003 and 0.00008; gnomAD 0.00006; TOPMed 0.00007; ExAC 0.00008.
gnomAD v4.1: 53 of 1,613,038 alleles (0.0033%); highest among the groups gnomAD compares: East Asian, 0.018%; no homozygotes.

Submissions (3):

Women's Health and Genetics/Laboratory Corporation of America, LabCorp
Classification: Uncertain significance. Last evaluated: 2024-11-26. Review status: criteria provided, single submitter. Criteria: LabCorp Variant Classification Summary - May 2015. Collection method: clinical testing. Allele origin: germline.
Comment: Variant summary: PCLO c.4604C>T (p.Ser1535Leu) results in a non-conservative amino acid change in the encoded protein sequence. Three of five in-silico tools predict a damaging effect of the variant on protein function. The variant allele was found at a frequency of 8.1e-05 in 248230 control chromosomes. This frequency is not significantly higher than estimated for a pathogenic variant in PCLO causing Pontocerebellar Hypoplasia Type 3, allowing no conclusion about variant significance. To our knowledge, no occurrence of c.4604C>T in individuals affected with Pontocerebellar Hypoplasia Type 3 and no experimental evidence demonstrating its impact on protein function have been reported. ClinVar contains an entry for this variant (Variation ID: 1449896). Based on the evidence outlined above, the variant was classified as uncertain significance.

Labcorp Genetics (formerly Invitae), Labcorp
Classification: Uncertain significance. Last evaluated: 2024-10-29. Review status: criteria provided, single submitter. Criteria: Invitae Variant Classification Sherloc (09022015). Collection method: clinical testing. Allele origin: germline.
Comment: This sequence change replaces serine, which is neutral and polar, with leucine, which is neutral and non-polar, at codon 1535 of the PCLO protein (p.Ser1535Leu). This variant is present in population databases (rs757482765, gnomAD 0.05%). This variant has not been reported in the literature in individuals affected with PCLO-related conditions. ClinVar contains an entry for this variant (Variation ID: 1449896). Experimental studies and prediction algorithms are not available or were not evaluated, and the functional significance of this variant is currently unknown. In summary, the available evidence is currently insufficient to determine the role of this variant in disease. Therefore, it has been classified as a Variant of Uncertain Significance.

GeneDx
Classification: Uncertain significance. Last evaluated: 2022-01-18. Review status: criteria provided, single submitter. Criteria: GeneDx Variant Classification Process June 2021. Collection method: clinical testing. Allele origin: germline. Affected: yes.
Comment: Identified heterozygous by whole genome sequencing in two siblings with bipolar disorder (Chen et al., 2021); In silico analysis supports that this missense variant has a deleterious effect on protein structure/function; Variants in candidate genes are classified as variants of uncertain significance in accordance with ACMG guidelines (Richards et al., 2015); This variant is associated with the following publications: (PMID: 34834409)